The following is an entry in ClinVar:

ClinVar aggregate classification (germline): Conflicting classifications of pathogenicity. Review status: criteria provided, conflicting classifications (1 of 4 stars). 3 submissions from 3 submitters: Uncertain significance (1); Likely benign (2). Last evaluated 2025-12-15.

Conditions:
Cardiovascular phenotype. Identifiers: MedGen CN230736.
TBX20-related disorder. Also called: TBX20-related condition.

Allele frequency attached by ClinVar (database versions not stated): TOPMed 0.00001.
gnomAD v4.1: 4 of 1,610,636 alleles (0.00025%); highest among the groups gnomAD compares: South Asian, 0.0011%; no homozygotes.

Submissions (3):

Labcorp Genetics (formerly Invitae), Labcorp
Classification: Likely benign. Last evaluated: 2025-12-15. Review status: criteria provided, single submitter. Criteria: Invitae Variant Classification Sherloc (09022015). Collection method: clinical testing. Allele origin: germline.

Ambry Genetics
Classification: Likely benign for Cardiovascular phenotype. Last evaluated: 2023-04-17. Review status: criteria provided, single submitter. Criteria: Ambry Variant Classification Scheme 2023. Collection method: clinical testing. Allele origin: germline.

PreventionGenetics, part of Exact Sciences
Classification: Uncertain significance for TBX20-related condition. Last evaluated: 2023-01-12. Review status: criteria provided, single submitter. Criteria: ACMG Guidelines, 2015. Collection method: clinical testing. Allele origin: germline.
Comment: The TBX20 c.549C>G variant is not predicted to result in an amino acid change (p.=). This variant is predicted to alter splicing based on available splicing prediction programs (Alamut Visual Plus v1.6.1). However, the use of computer prediction programs is not equivalent to functional evidence. To our knowledge, this variant has not been reported in the literature. This variant is reported in 0.0033% of alleles in individuals of South Asian descent in gnomAD. At this time, the clinical significance of this variant is uncertain due to the absence of conclusive functional and genetic evidence.

NM_001077653.2(TBX20):c.549C>G (p.Leu183=)

Gene: TBX20 (T-box transcription factor 20; minus strand). Cytogenetic location: 7p14.2.
Variant type: single nucleotide variant.
Coding change: c.549C>G on transcript NM_001077653.2 (MANE Select); coding-DNA position 549, C replaced by G.
Protein change: p.Leu183=; no amino-acid change (leucine 183 retained).
Molecular consequence: synonymous variant.
Genome position (GRCh38, 1-based): chr7:35,245,054, G>C on the plus strand (C>G on the coding strand, the complement: TBX20 is on the minus strand). VCF-style: chr7-35245054-G-C. GRCh37 (hg19) VCF-style: chr7-35284666-G-C.
Other names: c.549C>G, p.Leu183= (NM_001166220.1).
Identifiers: ClinVar variation 1505333 (VCV001505333.8), dbSNP rs1463237905, ClinGen allele CA454498751.